The following is an entry in ClinVar:

ClinVar aggregate classification (germline): Uncertain significance (1 of 4 stars; one submission).

Conditions:
SHANK2-related disorder.

Allele frequency attached by ClinVar (database versions not stated): TOPMed below 0.00001; ExAC 0.00001.
gnomAD v4.1: 4 of 1,611,306 alleles (0.00025%); highest among the groups gnomAD compares: South Asian, 0.0011%; no homozygotes.

Submission:

PreventionGenetics, part of Exact Sciences
Classification: Uncertain significance for SHANK2-related condition. Last evaluated: 2022-11-01. Review status: criteria provided, single submitter. Criteria: ACMG Guidelines, 2015. Collection method: clinical testing. Allele origin: germline.
Comment: The SHANK2 c.3527C>T variant is predicted to result in the amino acid substitution p.Thr1176Met. To our knowledge, this variant has not been reported in the literature. This variant is reported in 0.0033% of alleles in individuals of South Asian descent in gnomAD. At this time, the clinical significance of this variant is uncertain due to the absence of conclusive functional and genetic evidence.

NM_012309.5(SHANK2):c.3527C>T (p.Thr1176Met)

Gene: SHANK2 (SH3 and multiple ankyrin repeat domains 2; minus strand). Cytogenetic location: 11q13.3.
Variant type: single nucleotide variant.
Coding change: c.3527C>T on transcript NM_012309.5 (MANE Select); coding-DNA position 3527, C replaced by T.
Protein change: p.Thr1176Met; replaces threonine 1176 with methionine.
Molecular consequence: missense variant.
Genome position (GRCh38, 1-based): chr11:70,486,766, G>A on the plus strand (C>T on the coding strand, the complement: SHANK2 is on the minus strand). VCF-style: chr11-70486766-G-A. GRCh37 (hg19) VCF-style: chr11-70332871-G-A.
Other names: c.2390C>T, p.Thr797Met (NM_001379226.1); c.1763C>T, p.Thr588Met (NM_133266.5); short protein forms T1176M, T588M, T797M.
Identifiers: ClinVar variation 2637265 (VCV002637265.1), dbSNP rs782614044, ClinGen allele CA6161093.
Genomic context (GRCh38, chr11:70,486,766, plus strand): 5'-GCTGTGCCGCTGCTCGCGGAGGGCACTGCTGGGCTGCTCTCGGGCCCCTGGGCTTTGGAC[G>A]TGGAATTCAGCGGCCTCCCAGCCTCACCCGGAGCACTGGCCTCGGCGCCACCCACGAAAT-3'
Protein context (NP_036441.2, residues 1166-1186): PGEAGRPLNS[Thr1176Met]SKAQGPESSP